The following is an entry in ClinVar:

ClinVar aggregate classification (germline): Uncertain significance (1 of 4 stars; one submission).

Allele frequency attached by ClinVar (database versions not stated): gnomAD exomes below 0.00001; TOPMed 0.00001.
gnomAD v4.1: 2 of 1,614,116 alleles (0.00012%); highest among the groups gnomAD compares: Non-Finnish European, 0.000085%; no homozygotes.

Submission:

Ambry Genetics
Classification: Uncertain significance. Last evaluated: 2024-02-02. Review status: criteria provided, single submitter. Criteria: Ambry Variant Classification Scheme 2023. Collection method: clinical testing. Allele origin: germline.
Comment: The p.L701F variant (also known as c.2101C>T), located in coding exon 13 of the NPAT gene, results from a C to T substitution at nucleotide position 2101. The leucine at codon 701 is replaced by phenylalanine, an amino acid with highly similar properties. This amino acid position is conserved. In addition, this alteration is predicted to be tolerated by in silico analysis. Since supporting evidence is limited at this time, the clinical significance of this alteration remains unclear.

NM_002519.3(NPAT):c.2101C>T (p.Leu701Phe)

Gene: NPAT (nuclear protein, coactivator of histone transcription; minus strand). Cytogenetic location: 11q22.3.
Variant type: single nucleotide variant.
Coding change: c.2101C>T on transcript NM_002519.3 (MANE Select); coding-DNA position 2101, C replaced by T.
Protein change: p.Leu701Phe; replaces leucine 701 with phenylalanine.
Molecular consequence: missense variant.
Genome position (GRCh38, 1-based): chr11:108,172,883, G>A on the plus strand (C>T on the coding strand, the complement: NPAT is on the minus strand). VCF-style: chr11-108172883-G-A. GRCh37 (hg19) VCF-style: chr11-108043610-G-A.
Other names: c.2101C>T, p.Leu701Phe (NM_001321307.1); short protein forms L701F.
Identifiers: ClinVar variation 1785923 (VCV001785923.2), dbSNP rs1336201206, ClinGen allele CA382513686.